The following is an entry in ClinVar:

NM_001365999.1(SZT2):c.5592A>C (p.Ser1864=)

Gene: SZT2 (SZT2 subunit of KICSTOR complex; plus strand). Cytogenetic location: 1p34.2.
Variant type: single nucleotide variant.
Coding change: c.5592A>C on transcript NM_001365999.1 (MANE Select); coding-DNA position 5592, A replaced by C.
Protein change: p.Ser1864=; no amino-acid change (serine 1864 retained).
Molecular consequence: synonymous variant.
Genome position (GRCh38, 1-based): chr1:43,432,789, A>C. VCF-style: chr1-43432789-A-C. GRCh37 (hg19) VCF-style: chr1-43898460-A-C.
Other names: c.5421A>C, p.Ser1807= (NM_015284.4).
Identifiers: ClinVar variation 2110701 (VCV002110701.4), dbSNP rs2545832037, ClinGen allele CA417436718.

ClinVar aggregate classification (germline): Uncertain significance (1 of 4 stars; one submission).

Submission:

Labcorp Genetics (formerly Invitae), Labcorp
Classification: Uncertain significance. Last evaluated: 2022-03-13. Review status: criteria provided, single submitter. Criteria: Invitae Variant Classification Sherloc (09022015). Collection method: clinical testing. Allele origin: germline.
Comment: In summary, the available evidence is currently insufficient to determine the role of this variant in disease. Therefore, it has been classified as a Variant of Uncertain Significance. Algorithms developed to predict the effect of sequence changes on RNA splicing suggest that this variant may create or strengthen a splice site. This variant has not been reported in the literature in individuals affected with SZT2-related conditions. This variant is not present in population databases (gnomAD no frequency). This sequence change affects codon 1807 of the SZT2 mRNA. It is a 'silent' change, meaning that it does not change the encoded amino acid sequence of the SZT2 protein.